The following is an entry in ClinVar:

ClinVar aggregate classification (germline): Benign (0 of 4 stars; one submission).

Conditions:
PADI4-related disorder. Also called: PADI4-related condition.

Allele frequency attached by ClinVar (database versions not stated): 1000 Genomes Project 30x 0.00125; 1000 Genomes Project 0.00140.
gnomAD v4.1: 481 of 1,611,980 alleles (0.03%); highest among the groups gnomAD compares: East Asian, 1%; 5 homozygotes.

Submission:

PreventionGenetics, part of Exact Sciences
Classification: Benign for PADI4-related condition. Last evaluated: 2019-12-06. Review status: no assertion criteria provided. Collection method: clinical testing. Allele origin: germline.
Comment: This variant is classified as benign based on ACMG/AMP sequence variant interpretation guidelines (Richards et al. 2015 PMID: 25741868, with internal and published modifications).

NM_012387.3(PADI4):c.236C>G (p.Thr79Arg)

Gene: PADI4 (peptidyl arginine deiminase 4; plus strand). Cytogenetic location: 1p36.13.
Variant type: single nucleotide variant.
Coding change: c.236C>G on transcript NM_012387.3 (MANE Select); coding-DNA position 236, C replaced by G.
Protein change: p.Thr79Arg; replaces threonine 79 with arginine.
Molecular consequence: missense variant.
Genome position (GRCh38, 1-based): chr1:17,331,112, C>G. VCF-style: chr1-17331112-C-G. GRCh37 (hg19) VCF-style: chr1-17657607-C-G.
Other names: short protein forms T79R.
Identifiers: ClinVar variation 3048532 (VCV003048532.2), dbSNP rs35809521, ClinGen allele CA640378.
Genomic context (GRCh38, chr1:17,331,112, plus strand): 5'-AGAAGAAATCCACAGGTTCCTCCACATGGCCCCTGGACCCTGGGGTAGAGGTGACCCTGA[C>G]GATGAAAGTGGCCAGTGGTAGCACAGGCGACCAGAAGGTGAGTGTCATAGCTGTGGGGTG-3'
Protein context (NP_036519.2, residues 69-89): PLDPGVEVTL[Thr79Arg]MKVASGSTGD